The following is an entry in ClinVar:

NM_006118.4(HAX1):c.520C>T (p.Pro174Ser)

Gene: HAX1 (HCLS1 associated protein X-1; plus strand). Cytogenetic location: 1q21.3.
Variant type: single nucleotide variant.
Coding change: c.520C>T on transcript NM_006118.4 (MANE Select); coding-DNA position 520, C replaced by T.
Protein change: p.Pro174Ser; replaces proline 174 with serine.
Molecular consequence: missense variant.
Genome position (GRCh38, 1-based): chr1:154,274,965, C>T. VCF-style: chr1-154274965-C-T. GRCh37 (hg19) VCF-style: chr1-154247441-C-T.
Other names: c.376C>T, p.Pro126Ser (NM_001018837.2); short protein forms P126S, P174S.
Identifiers: ClinVar variation 4269035 (VCV004269035.1).
Genomic context (GRCh38, chr1:154,274,965, plus strand): 5'-TCAGATTGGAAGGAGTCTTTTCACTTACTATGGTTTCTTCTGCAGTTTGATGATGTATGG[C>T]CTATGGACCCCCATCCTAGAACCAGAGAGGACAATGGTAAGTCTGGAGGAAGGGGAAGTT-3'
Protein context (NP_006109.2, residues 164-184): RPFHRFDDVW[Pro174Ser]MDPHPRTRED

ClinVar aggregate classification (germline): Uncertain significance (1 of 4 stars; one submission).

Conditions:
Inborn genetic diseases. Identifiers: MedGen C0950123, MeSH D030342.

Submission:

Ambry Genetics
Classification: Uncertain significance for Inborn genetic diseases. Last evaluated: 2025-07-28. Review status: criteria provided, single submitter. Criteria: Ambry Variant Classification Scheme 2023. Collection method: clinical testing. Allele origin: germline.
Comment: The p.P174S variant (also known as c.520C>T), located in coding exon 4 of the HAX1 gene, results from a C to T substitution at nucleotide position 520. The proline at codon 174 is replaced by serine, an amino acid with similar properties. This amino acid position is conserved. In addition, the in silico prediction for this alteration is inconclusive. Based on the available evidence, the clinical significance of this variant remains unclear.